The following is an entry in ClinVar:

ClinVar aggregate classification (germline): Uncertain significance (1 of 4 stars; one submission).

Submission:

Ambry Genetics
Classification: Uncertain significance. Last evaluated: 2024-12-23. Review status: criteria provided, single submitter. Criteria: Ambry Variant Classification Scheme 2023. Collection method: clinical testing. Allele origin: germline.
Comment: The p.V687D variant (also known as c.2060T>A), located in coding exon 12 of the ATRIP gene, results from a T to A substitution at nucleotide position 2060. The valine at codon 687 is replaced by aspartic acid, an amino acid with highly dissimilar properties. This amino acid position is highly conserved in available vertebrate species. In addition, this alteration is predicted to be deleterious by in silico analysis. The evidence for this gene-disease relationship is limited; therefore, the clinical significance of this alteration is unclear.

NM_130384.3(ATRIP):c.2060T>A (p.Val687Asp)

Genes: ATRIP (ATR interacting protein; plus strand), ATRIP-TREX1 (ATRIP-TREX1 readthrough; plus strand). Cytogenetic location: 3p21.31.
Variant type: single nucleotide variant.
Coding change: c.2060T>A on transcript NM_130384.3 (MANE Select); coding-DNA position 2060, T replaced by A.
Protein change: p.Val687Asp; replaces valine 687 with aspartic acid.
Molecular consequence: missense variant. On other transcripts: non-coding transcript variant (1).
Genome position (GRCh38, 1-based): chr3:48,464,835, T>A. VCF-style: chr3-48464835-T-A. GRCh37 (hg19) VCF-style: chr3-48506234-T-A.
Other names: c.1679T>A, p.Val560Asp (NM_001271022.2); c.1781T>A, p.Val594Asp (NM_001271023.2); c.1979T>A, p.Val660Asp (NM_032166.4); short protein forms V687D, V560D, V594D, V660D.
Identifiers: ClinVar variation 3808854 (VCV003808854.1).
Genomic context (GRCh38, chr3:48,464,835, plus strand): 5'-GTTAGGGTGCAGGCCATGGTGGCACCAGGCCTCAGTCTGCACCCCCCCTCTCTCAGGTGG[T>A]CAGAGCGCTCACGGTGATGTTGCACAGACAGTGGCTGACAGTGCGGAGGGCAGGGGGACC-3'
Protein context (NP_569055.1, residues 677-697): GSNCQCNVEV[Val687Asp]RALTVMLHRQ